The following is an entry in ClinVar:

ClinVar aggregate classification (germline): Uncertain significance (1 of 4 stars; one submission).

Submission:

GeneDx
Classification: Uncertain significance. Last evaluated: 2024-06-05. Review status: criteria provided, single submitter. Criteria: GeneDx Variant Classification Process June 2021. Collection method: clinical testing. Allele origin: germline. Affected: yes.
Comment: Not observed at significant frequency in large population cohorts (gnomAD); In silico analysis indicates that this missense variant does not alter protein structure/function; Has not been previously published as pathogenic or benign to our knowledge

NM_182961.4(SYNE1):c.8977G>A (p.Glu2993Lys)

Genes: SYNE1 (spectrin repeat containing nuclear envelope protein 1; minus strand), SYNE1-AS1 (SYNE1 antisense RNA 1; plus strand). Cytogenetic location: 6q25.2.
Variant type: single nucleotide variant.
Coding change: c.8977G>A on transcript NM_182961.4 (MANE Select); coding-DNA position 8977, G replaced by A.
Protein change: p.Glu2993Lys; replaces glutamic acid 2993 with lysine.
Molecular consequence: missense variant.
Genome position (GRCh38, 1-based): chr6:152,381,038, C>T on the plus strand (G>A on the coding strand, the complement: SYNE1 is on the minus strand). VCF-style: chr6-152381038-C-T. GRCh37 (hg19) VCF-style: chr6-152702173-C-T.
Other names: c.8998G>A, p.Glu3000Lys (NM_033071.5); short protein forms E2993K, E3000K.
Identifiers: ClinVar variation 3384604 (VCV003384604.1).